The following is an entry in ClinVar:

NM_000188.3(HK1):c.531G>A (p.Ala177=)

Gene: HK1 (hexokinase 1; plus strand). Cytogenetic location: 10q22.1.
Variant type: single nucleotide variant.
Coding change: c.531G>A on transcript NM_000188.3 (MANE Select); coding-DNA position 531, G replaced by A.
Protein change: p.Ala177=; no amino-acid change (alanine 177 retained).
Molecular consequence: synonymous variant. On other transcripts: intron variant (1).
Genome position (GRCh38, 1-based): chr10:69,368,571, G>A. VCF-style: chr10-69368571-G-A. GRCh37 (hg19) VCF-style: chr10-71128327-G-A.
Other names: c.543G>A, p.Ala181= (NM_001322364.2, NM_001358263.1, NM_033497.3 and 1 more transcripts); c.636G>A, p.Ala212= (NM_001322365.2); c.447G>A, p.Ala149= (NM_001322366.1); c.528G>A, p.Ala176= (NM_033496.3); c.495G>A, p.Ala165= (NM_033500.2); c.496-666G>A (NM_001322367.1).
Identifiers: ClinVar variation 1160462 (VCV001160462.17), dbSNP rs370998274, ClinGen allele CA5532360.
Genomic context (GRCh38, chr10:69,368,571, plus strand): 5'-CAGCCCCATCCATTCTTCTTTGCAGGCCATCCTGATCACCTGGACAAAGCGATTTAAAGC[G>A]AGCGGAGTGGAAGGAGCAGATGTGGTCAAACTGCTTAACAAAGCCATCAAAAAGCGAGGG-3'
Protein context (NP_000179.2, residues 167-187): ILITWTKRFK[Ala177=]SGVEGADVVK

ClinVar aggregate classification (germline): Likely benign. Review status: criteria provided, multiple submitters, no conflicts (2 of 4 stars). 3 submissions from 3 submitters: Likely benign (3). Last evaluated 2025-10-06.

Allele frequency attached by ClinVar (database versions not stated): ExAC 0.00004; gnomAD exomes 0.00004; ESP Exome Variant Server 0.00008.
gnomAD v4.1: 175 of 1,614,102 alleles (0.011%); highest among the groups gnomAD compares: Non-Finnish European, 0.014%; 1 homozygote.

Submissions (3):

Labcorp Genetics (formerly Invitae), Labcorp
Classification: Likely benign. Last evaluated: 2025-10-06. Review status: criteria provided, single submitter. Criteria: Invitae Variant Classification Sherloc (09022015). Collection method: clinical testing. Allele origin: germline.

CeGaT Center for Human Genetics Tuebingen
Classification: Likely benign. Last evaluated: 2025-04-01. Review status: criteria provided, single submitter. Criteria: CeGaT Center For Human Genetics Tuebingen Variant Classification Criteria Version 2. Collection method: clinical testing. Allele origin: germline. Affected: yes. Observed: 2 variant alleles.
Comment: HK1: BP4, BP7

Blueprint Genetics
Classification: Likely benign. Last evaluated: 2024-02-20. Review status: criteria provided, single submitter. Criteria: ACMG Guidelines, 2015. Collection method: clinical testing. Allele origin: germline.